The following is an entry in ClinVar:

ClinVar aggregate classification (germline): Likely pathogenic (1 of 4 stars; one submission).

Conditions:
Brain malformations with or without urinary tract defects. Also called: Brain malformations and urinary tract defects. Identifiers: MedGen C4478940, MONDO:0100478, OMIM 613735.

Submission:

3billion
Classification: Likely pathogenic for Brain malformations with or without urinary tract defects. Last evaluated: 2025-02-13. Review status: criteria provided, single submitter. Criteria: ACMG Guidelines, 2015. Collection method: clinical testing. Allele origin: germline. Affected: yes.
Comment: The variant is not observed in the gnomAD v4.1.0 dataset. Predicted Consequence/Location: Frameshift: predicted to result in a loss or disruption of normal protein function through nonsense-mediated decay (NMD) or protein truncation. Multiple pathogenic variants are reported downstream of the variant. Therefore, this variant is classified as Likely pathogenic according to the recommendation of ACMG/AMP guideline.

NM_001134673.4(NFIA):c.310_311dup (p.Leu105fs)

Gene: NFIA (nuclear factor I A; plus strand). Cytogenetic location: 1p31.3.
Variant type: Microsatellite.
Coding change: c.310_311dup on transcript NM_001134673.4 (MANE Select); coding-DNA positions 310 to 311, 2 bases duplicated (GT; older notation c.310_311dupGT).
Protein change: p.Leu105fs; shifts the reading frame from leucine 105.
Molecular consequence: frameshift variant.
Genome position (GRCh38, 1-based): chr1:61,088,431-61,088,432, GT duplicated; duplicating any 2 consecutive bases within chr1:61,088,428-61,088,432 gives the same sequence; the c. name uses the placement nearest the transcript's 3' end. VCF-style (leftmost placement, unchanged base first): chr1-61088427-T-TTG. GRCh37 (hg19) VCF-style: chr1-61554099-T-TTG.
Other names: c.286_287dup, p.Leu97fs (NM_001145511.2); c.445_446dup, p.Leu150fs (NM_001145512.2); c.310_311dup, p.Leu105fs (NM_005595.5); short protein forms L105fs, L150fs, L97fs.
Identifiers: ClinVar variation 4292154 (VCV004292154.1).